The following is an entry in ClinVar:

NM_003982.4(SLC7A7):c.239G>A (p.Gly80Asp)

Gene: SLC7A7 (solute carrier family 7 member 7; minus strand). Cytogenetic location: 14q11.2.
Variant type: single nucleotide variant.
Coding change: c.239G>A on transcript NM_003982.4 (MANE Select); coding-DNA position 239, G replaced by A.
Protein change: p.Gly80Asp; replaces glycine 80 with aspartic acid.
Molecular consequence: missense variant.
Genome position (GRCh38, 1-based): chr14:22,813,160, C>T on the plus strand (G>A on the coding strand, the complement: SLC7A7 is on the minus strand). VCF-style: chr14-22813160-C-T. GRCh37 (hg19) VCF-style: chr14-23282369-C-T.
Other names: c.239G>A, p.Gly80Asp (NM_001126105.3, NM_001126106.4); short protein forms G80D.
Identifiers: ClinVar variation 3029570 (VCV003029570.2), dbSNP rs1228184852, ClinGen allele CA388922466.

ClinVar aggregate classification (germline): Uncertain significance (0 of 4 stars; one submission).

Conditions:
SLC7A7-related disorder. Also called: SLC7A7-related condition.

gnomAD v4.1: 2 of 1,614,144 alleles (0.00012%); highest among the groups gnomAD compares: Non-Finnish European, 0.00017%; no homozygotes.

Submission:

PreventionGenetics, part of Exact Sciences
Classification: Uncertain significance for SLC7A7-related condition. Last evaluated: 2024-01-15. Review status: no assertion criteria provided. Collection method: clinical testing. Allele origin: germline.
Comment: The SLC7A7 c.239G>A variant is predicted to result in the amino acid substitution p.Gly80Asp. To our knowledge, this variant has not been reported in the literature. This variant is reported in 0.00088% of alleles in individuals of European (Non-Finnish) descent in gnomAD. At this time, the clinical significance of this variant is uncertain due to the absence of conclusive functional and genetic evidence.